The following is an entry in ClinVar:

ClinVar aggregate classification (germline): Uncertain significance (1 of 4 stars; one submission).

Conditions:
Developmental and epileptic encephalopathy, 31A. Also called: Epileptic encephalopathy, early infantile, 31; Developmental and epileptic encephalopathy, 31. Identifiers: Orphanet 2382, MedGen C4225357, MONDO:0014598, OMIM 616346.

Allele frequency attached by ClinVar (database versions not stated): gnomAD exomes below 0.00001.
gnomAD v4.1: 3 of 1,613,908 alleles (0.00019%); highest among the groups gnomAD compares: Non-Finnish European, 0.00025%; no homozygotes.

Submission:

Labcorp Genetics (formerly Invitae), Labcorp
Classification: Uncertain significance for Developmental and epileptic encephalopathy, 31A. Last evaluated: 2022-12-06. Review status: criteria provided, single submitter. Criteria: Invitae Variant Classification Sherloc (09022015). Collection method: clinical testing. Allele origin: germline.
Comment: This sequence change falls in intron 9 of the DNM1 gene. It does not directly change the encoded amino acid sequence of the DNM1 protein. It affects a nucleotide within the consensus splice site. This variant is not present in population databases (gnomAD no frequency). This variant has not been reported in the literature in individuals affected with DNM1-related conditions. ClinVar contains an entry for this variant (Variation ID: 841307). Variants that disrupt the consensus splice site are a relatively common cause of aberrant splicing (PMID: 17576681, 9536098). Algorithms developed to predict the effect of sequence changes on RNA splicing suggest that this variant may disrupt the consensus splice site. In summary, the available evidence is currently insufficient to determine the role of this variant in disease. Therefore, it has been classified as a Variant of Uncertain Significance.

Literature cited by the submitters: PubMed 17576681; PubMed 9536098.

NM_004408.4(DNM1):c.1196+5G>A

Gene: DNM1 (dynamin 1; plus strand). Cytogenetic location: 9q34.11.
Variant type: single nucleotide variant.
Coding change: c.1196+5G>A on transcript NM_004408.4 (MANE Select); 5 bases into the intron after coding-DNA position 1196, G replaced by A.
Molecular consequence: intron variant.
Genome position (GRCh38, 1-based): chr9:128,222,865, G>A. VCF-style: chr9-128222865-G-A. GRCh37 (hg19) VCF-style: chr9-130985144-G-A.
Other names: c.1196+5G>A (NM_001005336.3, NM_001374269.1, NM_001288738.2 and 2 more transcripts).
Identifiers: ClinVar variation 841307 (VCV000841307.8), dbSNP rs1835103921, ClinGen allele CA916083068.